The following is an entry in ClinVar:

NM_013444.4(UBQLN2):c.809G>T (p.Arg270Leu)

Gene: UBQLN2 (ubiquilin 2; plus strand). Cytogenetic location: Xp11.21.
Variant type: single nucleotide variant.
Coding change: c.809G>T on transcript NM_013444.4 (MANE Select); coding-DNA position 809, G replaced by T.
Protein change: p.Arg270Leu; replaces arginine 270 with leucine.
Molecular consequence: missense variant.
Genome position (GRCh38, 1-based): chrX:56,564,682, G>T. VCF-style: chrX-56564682-G-T. GRCh37 (hg19) VCF-style: chrX-56591115-G-T.
Other names: short protein forms R270L.
Identifiers: ClinVar variation 3705105 (VCV003705105.2).

ClinVar aggregate classification (germline): Uncertain significance (1 of 4 stars; one submission).

Conditions:
Amyotrophic lateral sclerosis type 15. Also called: AMYOTROPHIC LATERAL SCLEROSIS 15 WITH FRONTOTEMPORAL DEMENTIA. Identifiers: Orphanet 803, MedGen C3275459, MONDO:0010459, OMIM 300857.

Submission:

Labcorp Genetics (formerly Invitae), Labcorp
Classification: Uncertain significance for Amyotrophic lateral sclerosis type 15. Last evaluated: 2025-09-17. Review status: criteria provided, single submitter. Criteria: Invitae Variant Classification Sherloc (09022015). Collection method: clinical testing. Allele origin: germline.
Comment: This sequence change replaces arginine, which is basic and polar, with leucine, which is neutral and non-polar, at codon 270 of the UBQLN2 protein (p.Arg270Leu). This variant is present in population databases (no rsID available, gnomAD 0.01%). This variant has not been reported in the literature in individuals affected with UBQLN2-related conditions. ClinVar contains an entry for this variant (Variation ID: 3705105). Invitae Evidence Modeling of protein sequence and biophysical properties (such as structural, functional, and spatial information, amino acid conservation, physicochemical variation, residue mobility, and thermodynamic stability) indicates that this missense variant is expected to disrupt UBQLN2 protein function with a positive predictive value of 80%. In summary, the available evidence is currently insufficient to determine the role of this variant in disease. Therefore, it has been classified as a Variant of Uncertain Significance.